The following is an entry in ClinVar:

NM_000632.4(ITGAM):c.2248C>G (p.Pro750Ala)

Gene: ITGAM (integrin subunit alpha M; plus strand). Cytogenetic location: 16p11.2.
Variant type: single nucleotide variant.
Coding change: c.2248C>G on transcript NM_000632.4 (MANE Select); coding-DNA position 2248, C replaced by G.
Protein change: p.Pro750Ala; replaces proline 750 with alanine.
Molecular consequence: missense variant.
Genome position (GRCh38, 1-based): chr16:31,324,741, C>G. VCF-style: chr16-31324741-C-G. GRCh37 (hg19) VCF-style: chr16-31336062-C-G.
Other names: c.2251C>G, p.Pro751Ala (NM_001145808.2); short protein forms P750A, P751A.
Identifiers: ClinVar variation 2637060 (VCV002637060.1), dbSNP rs1411151309, ClinGen allele CA395688958.
Genomic context (GRCh38, chr16:31,324,741, plus strand): 5'-GTGCTGCGCCTGAACTTCTCTCTGGTGGGAACGCCATTGTCTGCTTTCGGGAACCTCCGG[C>G]CAGTGCTGGCGGAGGATGCTCAGAGACTCTTCACAGCCTTGGTGAGTCCAGAGTTGGGGT-3'
Protein context (NP_000623.2, residues 740-760): TPLSAFGNLR[Pro750Ala]VLAEDAQRLF

ClinVar aggregate classification (germline): Uncertain significance (1 of 4 stars; one submission).

Conditions:
ITGAM-related disorder. Also called: ITGAM-related condition.

Allele frequency attached by ClinVar (database versions not stated): gnomAD exomes 0.00001.
gnomAD v4.1: 3 of 1,589,782 alleles (0.00019%); highest among the groups gnomAD compares: Middle Eastern, 0.034%; no homozygotes.

Submission:

PreventionGenetics, part of Exact Sciences
Classification: Uncertain significance for ITGAM-related condition. Last evaluated: 2022-10-19. Review status: criteria provided, single submitter. Criteria: ACMG Guidelines, 2015. Collection method: clinical testing. Allele origin: germline.
Comment: The ITGAM c.2248C>G variant is predicted to result in the amino acid substitution p.Pro750Ala. To our knowledge, this variant has not been reported in the literature. This variant is reported in 0.00098% of alleles in individuals of European (Non-Finnish) descent in gnomAD. At this time, the clinical significance of this variant is uncertain due to the absence of conclusive functional and genetic evidence.